The following is an entry in ClinVar:

ClinVar aggregate classification (germline): Uncertain significance (1 of 4 stars; one submission).

Conditions:
Hereditary cancer-predisposing syndrome. Also called: Neoplastic Syndromes, Hereditary; Tumor predisposition; Hereditary neoplastic syndrome; Hereditary Cancer Syndrome. Identifiers: Orphanet 140162, MedGen C0027672, MeSH D009386, MONDO:0015356.

Submission:

Ambry Genetics
Classification: Uncertain significance for Hereditary cancer-predisposing syndrome. Last evaluated: 2023-01-17. Review status: criteria provided, single submitter. Criteria: Ambry Variant Classification Scheme 2023. Collection method: clinical testing. Allele origin: germline.
Comment: The p.E899D variant (also known as c.2697A>C), located in coding exon 4 of the MSH6 gene, results from an A to C substitution at nucleotide position 2697. The glutamic acid at codon 899 is replaced by aspartic acid, an amino acid with highly similar properties. This amino acid position is conserved. In addition, this alteration is predicted to be tolerated by in silico analysis. Since supporting evidence is limited at this time, the clinical significance of this alteration remains unclear.

NM_000179.3(MSH6):c.2697A>C (p.Glu899Asp)

Gene: MSH6 (mutS homolog 6; plus strand). Cytogenetic location: 2p16.3.
Variant type: single nucleotide variant.
Coding change: c.2697A>C on transcript NM_000179.3 (MANE Select); coding-DNA position 2697, A replaced by C.
Protein change: p.Glu899Asp; replaces glutamic acid 899 with aspartic acid.
Molecular consequence: missense variant. On other transcripts: non-coding transcript variant (5), intron variant (2).
Genome position (GRCh38, 1-based): chr2:47,800,680, A>C. VCF-style: chr2-47800680-A-C. GRCh37 (hg19) VCF-style: chr2-48027819-A-C.
Other names: c.2307A>C, p.Glu769Asp (NM_001281492.2); c.1791A>C, p.Glu597Asp (NM_001281493.2, NM_001281494.2, NM_001406811.1 and 6 more transcripts); c.2793A>C, p.Glu931Asp (NM_001406795.1, NM_001406802.1); c.2400A>C, p.Glu800Asp (NM_001406797.1, NM_001406801.1, NM_001406805.1 and 10 more transcripts); c.2697A>C, p.Glu899Asp (NM_001406798.1, NM_001406796.1, NM_001406800.1 and 2 more transcripts); c.2172A>C, p.Glu724Asp (NM_001406799.1, NM_001406806.1, NM_001406807.1); c.2619A>C, p.Glu873Asp (NM_001406804.1); c.2703A>C, p.Glu901Asp (NM_001406813.1); and 4 more; short protein forms E769D, E800D, E873D, E899D, E931D, E214D, E843D, E901D.
Identifiers: ClinVar variation 2453198 (VCV002453198.2), dbSNP rs1263132199, ClinGen allele CA346755312.